The following is an entry in ClinVar:

NM_000179.3(MSH6):c.877C>A (p.Pro293Thr)

Gene: MSH6 (mutS homolog 6; plus strand). Cytogenetic location: 2p16.3.
Variant type: single nucleotide variant.
Coding change: c.877C>A on transcript NM_000179.3 (MANE Select); coding-DNA position 877, C replaced by A.
Protein change: p.Pro293Thr; replaces proline 293 with threonine.
Molecular consequence: missense variant. On other transcripts: 5 prime UTR variant (9), non-coding transcript variant (4), intron variant (1).
Genome position (GRCh38, 1-based): chr2:47,798,860, C>A. VCF-style: chr2-47798860-C-A. GRCh37 (hg19) VCF-style: chr2-48025999-C-A.
Other names: c.487C>A, p.Pro163Thr (NM_001281492.2); c.-30C>A (NM_001281493.2, NM_001281494.2, NM_001406811.1 and 6 more transcripts); c.973C>A, p.Pro325Thr (NM_001406795.1, NM_001406802.1); c.877C>A, p.Pro293Thr (NM_001406796.1, NM_001406798.1, NM_001406800.1 and 4 more transcripts); c.580C>A, p.Pro194Thr (NM_001406797.1, NM_001406801.1, NM_001406805.1 and 10 more transcripts); c.352C>A, p.Pro118Thr (NM_001406799.1, NM_001406806.1, NM_001406807.1); c.799C>A, p.Pro267Thr (NM_001406804.1); c.883C>A, p.Pro295Thr (NM_001406813.1); and 2 more; short protein forms P163T, P237T, P267T, P293T, P325T, P194T, P118T, P295T.
Identifiers: ClinVar variation 3875031 (VCV003875031.1).

ClinVar aggregate classification (germline): Uncertain significance (1 of 4 stars; one submission).

Conditions:
Hereditary cancer-predisposing syndrome. Also called: Tumor predisposition; Neoplastic Syndromes, Hereditary; Hereditary Cancer Syndrome; Hereditary neoplastic syndrome. Identifiers: Orphanet 140162, MedGen C0027672, MeSH D009386, MONDO:0015356.

Submission:

Ambry Genetics
Classification: Uncertain significance for Hereditary cancer-predisposing syndrome. Last evaluated: 2024-12-23. Review status: criteria provided, single submitter. Criteria: Ambry Variant Classification Scheme 2023. Collection method: clinical testing. Allele origin: germline.
Comment: The p.P293T variant (also known as c.877C>A), located in coding exon 4 of the MSH6 gene, results from a C to A substitution at nucleotide position 877. The proline at codon 293 is replaced by threonine, an amino acid with highly similar properties. This amino acid position is not well conserved in available vertebrate species. In addition, the in silico prediction for this alteration is inconclusive. Based on the available evidence, the clinical significance of this variant remains unclear.